The following is an entry in ClinVar:

ClinVar aggregate classification (germline): Uncertain significance (1 of 4 stars; one submission).

Allele frequency attached by ClinVar (database versions not stated): TOPMed 0.00001.

Submission:

GeneDx
Classification: Uncertain significance. Last evaluated: 2023-09-20. Review status: criteria provided, single submitter. Criteria: GeneDx Variant Classification Process June 2021. Collection method: clinical testing. Allele origin: germline. Affected: yes.
Comment: Reliable data are not available in large population cohorts to assess the frequency of this variant in publicly available databases; however, this variant has not been detected at significant frequency in presumably healthy individuals tested at GeneDx; In silico analysis supports a deleterious effect on splicing; Has not been previously published as pathogenic or benign to our knowledge

NM_015107.3(PHF8):c.-93+1G>C

Gene: PHF8 (PHD finger protein 8; minus strand). Cytogenetic location: Xp11.22.
Variant type: single nucleotide variant.
Coding change: c.-93+1G>C on transcript NM_015107.3 (MANE Select); the canonical splice donor site of the intron after 93 bases upstream of the start codon, G replaced by C.
Molecular consequence: splice donor variant. On other transcripts: intron variant (1).
Genome position (GRCh38, 1-based): chrX:54,043,761, C>G on the plus strand (G>C on the coding strand, the complement: PHF8 is on the minus strand). VCF-style: chrX-54043761-C-G. GRCh37 (hg19) VCF-style: chrX-54070194-C-G.
Other names: c.17-941G>C (NM_001184896.1); c.-93+1G>C (NM_001184897.2).
Identifiers: ClinVar variation 2580777 (VCV002580777.1), dbSNP rs2066603363, ClinGen allele CA2430051550.
Genomic context (GRCh38, chrX:54,043,761, plus strand): 5'-CAGGTACCTCACAGTATATCCTAAAACTGACAGTAATAGCCTCGCAGCCCCCAAAACTTA[C>G]AGGAATCTTAACGCTTCCCCAACTGACAGGAACCTCCTCACGCCCCAAACCTGACAAGAA-3'